The following is an entry in ClinVar:

ClinVar aggregate classification (germline): Likely benign. Review status: criteria provided, single submitter (1 of 4 stars). 2 submissions from 2 submitters: Likely benign (1). 1 of the submissions does not count toward it. Last evaluated 2023-01-12.

Conditions:
BBS2-related disorder. Also called: BBS2-related condition; BBS2-related disorders. Identifiers: MedGen CN239228.
Bardet-Biedl syndrome (BBS). Identifiers: Orphanet 110, MedGen C0752166, MONDO:0015229.

Allele frequency attached by ClinVar (database versions not stated): gnomAD exomes 0.00001.
gnomAD v4.1: 21 of 1,614,086 alleles (0.0013%); highest among the groups gnomAD compares: Non-Finnish European, 0.0018%; no homozygotes.

Submissions (2):

Labcorp Genetics (formerly Invitae), Labcorp
Classification: Likely benign for Bardet-Biedl syndrome. Last evaluated: 2023-01-12. Review status: criteria provided, single submitter. Criteria: Invitae Variant Classification Sherloc (09022015). Collection method: clinical testing. Allele origin: germline.

PreventionGenetics, part of Exact Sciences
Classification: Likely benign for BBS2-related condition. Last evaluated: 2024-04-10. Review status: no assertion criteria provided. Collection method: clinical testing. Allele origin: germline. Not counted in ClinVar's aggregate classification.
Comment: This variant is classified as likely benign based on ACMG/AMP sequence variant interpretation guidelines (Richards et al. 2015 PMID: 25741868, with internal and published modifications).

NM_031885.5(BBS2):c.2106T>A (p.Ile702=)

Gene: BBS2 (Bardet-Biedl syndrome 2; minus strand). Cytogenetic location: 16q13.
Variant type: single nucleotide variant.
Coding change: c.2106T>A on transcript NM_031885.5 (MANE Select); coding-DNA position 2106, T replaced by A.
Protein change: p.Ile702=; no amino-acid change (isoleucine 702 retained).
Molecular consequence: synonymous variant. On other transcripts: non-coding transcript variant (5).
Genome position (GRCh38, 1-based): chr16:56,484,821, A>T on the plus strand (T>A on the coding strand, the complement: BBS2 is on the minus strand). VCF-style: chr16-56484821-A-T. GRCh37 (hg19) VCF-style: chr16-56518733-A-T.
Other names: c.2106T>A (NM_031885.3); c.2106T>A, p.Ile702= (NM_001377456.1).
Identifiers: ClinVar variation 2916013 (VCV002916013.4), dbSNP rs1314393067, ClinGen allele CA495582906.